The following is an entry in ClinVar:

NM_004655.4(AXIN2):c.2293G>T (p.Val765Phe)

Gene: AXIN2 (axin 2; minus strand). Cytogenetic location: 17q24.1.
Variant type: single nucleotide variant.
Coding change: c.2293G>T on transcript NM_004655.4 (MANE Select); coding-DNA position 2293, G replaced by T.
Protein change: p.Val765Phe; replaces valine 765 with phenylalanine.
Molecular consequence: missense variant.
Genome position (GRCh38, 1-based): chr17:65,534,024, C>A on the plus strand (G>T on the coding strand, the complement: AXIN2 is on the minus strand). VCF-style: chr17-65534024-C-A. GRCh37 (hg19) VCF-style: chr17-63530142-C-A.
Other names: c.2098G>T, p.Val700Phe (NM_001363813.1); short protein forms V765F, V700F.
Identifiers: ClinVar variation 5032570 (VCV005032570.1).

ClinVar aggregate classification (germline): Uncertain significance (1 of 4 stars; one submission).

Conditions:
Hereditary cancer-predisposing syndrome. Also called: Neoplastic Syndromes, Hereditary; Tumor predisposition; Hereditary neoplastic syndrome; Hereditary Cancer Syndrome. Identifiers: Orphanet 140162, MedGen C0027672, MeSH D009386, MONDO:0015356.

gnomAD v4.1: 1 of 1,614,236 alleles (0.000062%); highest among the groups gnomAD compares: Non-Finnish European, 0.000085%; no homozygotes.

Submission:

Ambry Genetics
Classification: Uncertain significance for Hereditary cancer-predisposing syndrome. Last evaluated: 2026-07-06. Review status: criteria provided, single submitter. Criteria: Ambry Variant Classification Scheme 2023. Collection method: clinical testing. Allele origin: germline.
Comment: The p.V765F variant (also known as c.2293G>T), located in coding exon 9 of the AXIN2 gene, results from a G to T substitution at nucleotide position 2293. The valine at codon 765 is replaced by phenylalanine, an amino acid with highly similar properties. This amino acid position is conserved. In addition, the in silico prediction for this alteration is inconclusive. Based on the available evidence, the clinical significance of this variant remains unclear.